The following is an entry in ClinVar:

ClinVar aggregate classification (germline): Uncertain significance (1 of 4 stars; one submission).

Allele frequency attached by ClinVar (database versions not stated): TOPMed 0.00001; gnomAD exomes 0.00002.

Submission:

Labcorp Genetics (formerly Invitae), Labcorp
Classification: Uncertain significance. Last evaluated: 2024-06-06. Review status: criteria provided, single submitter. Criteria: Invitae Variant Classification Sherloc (09022015). Collection method: clinical testing. Allele origin: germline.
Comment: This sequence change replaces aspartic acid, which is acidic and polar, with glycine, which is neutral and non-polar, at codon 707 of the DSG1 protein (p.Asp707Gly). This variant is present in population databases (no rsID available, gnomAD 0.003%). This variant has not been reported in the literature in individuals affected with DSG1-related conditions. Advanced modeling of protein sequence and biophysical properties (such as structural, functional, and spatial information, amino acid conservation, physicochemical variation, residue mobility, and thermodynamic stability) performed at Invitae indicates that this missense variant is not expected to disrupt DSG1 protein function with a negative predictive value of 80%. In summary, the available evidence is currently insufficient to determine the role of this variant in disease. Therefore, it has been classified as a Variant of Uncertain Significance.

NM_001942.4(DSG1):c.2120A>G (p.Asp707Gly)

Genes: DSG1 (desmoglein 1; plus strand), DSG1-AS1 (DSG1 antisense RNA 1; minus strand), LOC126862720 (MED14-independent group 3 enhancer GRCh37_chr18:28933613-28934812; plus strand). Cytogenetic location: 18q12.1.
Variant type: single nucleotide variant.
Coding change: c.2120A>G on transcript NM_001942.4 (MANE Select); coding-DNA position 2120, A replaced by G.
Protein change: p.Asp707Gly; replaces aspartic acid 707 with glycine.
Molecular consequence: missense variant. On other transcripts: non-coding transcript variant (1).
Genome position (GRCh38, 1-based): chr18:31,354,316, A>G. VCF-style: chr18-31354316-A-G. GRCh37 (hg19) VCF-style: chr18-28934279-A-G.
Other names: short protein forms D707G.
Identifiers: ClinVar variation 2969215 (VCV002969215.3), dbSNP rs952913102, ClinGen allele CA297704011.